The following is an entry in ClinVar:

ClinVar aggregate classification (germline): Uncertain significance (1 of 4 stars; one submission).

Submission:

Labcorp Genetics (formerly Invitae), Labcorp
Classification: Uncertain significance. Last evaluated: 2019-12-03. Review status: criteria provided, single submitter. Criteria: Invitae Variant Classification Sherloc (09022015). Collection method: clinical testing. Allele origin: germline.
Comment: In summary, the available evidence is currently insufficient to determine the role of this variant in disease. Therefore, it has been classified as a Variant of Uncertain Significance. This variant disrupts the p.Cys1925 amino acid residue in NSD1. Other variant(s) that disrupt this residue have been observed in individuals with NSD1-related conditions (PMID: 12464997), which suggests that this may be a clinically significant amino acid residue. Algorithms developed to predict the effect of missense changes on protein structure and function are either unavailable or do not agree on the potential impact of this missense change (SIFT: "Deleterious"; PolyPhen-2: "Probably Damaging"; Align-GVGD: "Class C0"). This variant has not been reported in the literature in individuals with NSD1-related conditions. This variant is not present in population databases (ExAC no frequency). This sequence change replaces cysteine with tyrosine at codon 1925 of the NSD1 protein (p.Cys1925Tyr). The cysteine residue is highly conserved and there is a large physicochemical difference between cysteine and tyrosine.

Literature cited by the submitters: PubMed 12464997.

NM_022455.5(NSD1):c.5774G>A (p.Cys1925Tyr)

Gene: NSD1 (nuclear receptor binding SET domain protein 1; plus strand). Cytogenetic location: 5q35.3.
Variant type: single nucleotide variant.
Coding change: c.5774G>A on transcript NM_022455.5 (MANE Select); coding-DNA position 5774, G replaced by A.
Protein change: p.Cys1925Tyr; replaces cysteine 1925 with tyrosine.
Molecular consequence: missense variant.
Genome position (GRCh38, 1-based): chr5:177,280,716, G>A. VCF-style: chr5-177280716-G-A. GRCh37 (hg19) VCF-style: chr5-176707717-G-A.
Other names: c.4901G>A, p.Cys1634Tyr (NM_001365684.2, NM_001409308.1, NM_001409309.1 and 1 more transcripts); c.5774G>A, p.Cys1925Tyr (NM_001409301.1, NM_001409302.1, NM_001409303.1); c.5354G>A, p.Cys1785Tyr (NM_001409304.1); c.5021G>A, p.Cys1674Tyr (NM_001409305.1); c.5012G>A, p.Cys1671Tyr (NM_001409306.1, NM_001409307.1); short protein forms C1925Y, C1656Y, C1671Y, C1674Y, C1785Y, C1634Y.
Identifiers: ClinVar variation 860328 (VCV000860328.8), dbSNP rs1758804006, ClinGen allele CA362313211.